The following is an entry in ClinVar:

NM_058216.3(RAD51C):c.493A>G (p.Met165Val)

Gene: RAD51C (RAD51 paralog C; plus strand). Cytogenetic location: 17q22.
Variant type: single nucleotide variant.
Coding change: c.493A>G on transcript NM_058216.3 (MANE Select); coding-DNA position 493, A replaced by G.
Protein change: p.Met165Val; replaces methionine 165 with valine.
Molecular consequence: missense variant.
Genome position (GRCh38, 1-based): chr17:58,696,781, A>G. VCF-style: chr17-58696781-A-G. GRCh37 (hg19) VCF-style: chr17-56774142-A-G.
Other names: c.493A>G (LRG_314t1); short protein forms M165V.
Identifiers: ClinVar variation 482171 (VCV000482171.17), dbSNP rs1555594766, ClinGen allele CA400344844.

ClinVar aggregate classification (germline): Conflicting classifications of pathogenicity. Review status: criteria provided, conflicting classifications (1 of 4 stars). 4 submissions from 4 submitters: Uncertain significance (3); Benign (1). Last evaluated 2025-11-23.

Conditions:
Fanconi anemia complementation group O. Also called: RAD51C-Related Fanconi Anemia. Identifiers: Orphanet 84, MedGen C3150653, MONDO:0013248, OMIM 613390.
Hereditary cancer-predisposing syndrome. Also called: Hereditary neoplastic syndrome; Neoplastic Syndromes, Hereditary; Tumor predisposition; Hereditary Cancer Syndrome. Identifiers: Orphanet 140162, MedGen C0027672, MeSH D009386, MONDO:0015356.
Breast-ovarian cancer, familial, susceptibility to, 3. Also called: RAD51C-Related Breast/Ovarian Cancer. Identifiers: Orphanet 145, MedGen C3150659, MONDO:0013253, OMIM 613399.
Hereditary breast ovarian cancer syndrome. Also called: Hereditary breast and ovarian cancer syndrome (HBOC); Breast and ovarian cancer; Hereditary breast and ovarian cancer syndrome; Hereditary breast and ovarian cancer; Hereditary breast and/or ovarian cancer syndrome; BRCA1- and BRCA2-Associated Hereditary Breast and Ovarian Cancer. Identifiers: Orphanet 145, MedGen C0677776, MeSH D061325, MONDO:0003582. Disease mechanism: loss of function.

Submissions (4):

Labcorp Genetics (formerly Invitae), Labcorp
Classification: Uncertain significance for Fanconi anemia complementation group O. Last evaluated: 2025-11-23. Review status: criteria provided, single submitter. Criteria: Invitae Variant Classification Sherloc (09022015). Collection method: clinical testing. Allele origin: germline.
Comment: This sequence change replaces methionine, which is neutral and non-polar, with valine, which is neutral and non-polar, at codon 165 of the RAD51C protein (p.Met165Val). This variant is not present in population databases (gnomAD no frequency). This variant has not been reported in the literature in individuals affected with RAD51C-related conditions. ClinVar contains an entry for this variant (Variation ID: 482171). Invitae Evidence Modeling of protein sequence and biophysical properties (such as structural, functional, and spatial information, amino acid conservation, physicochemical variation, residue mobility, and thermodynamic stability) indicates that this missense variant is not expected to disrupt RAD51C protein function with a negative predictive value of 80%. In summary, the available evidence is currently insufficient to determine the role of this variant in disease. Therefore, it has been classified as a Variant of Uncertain Significance.

Ambry Genetics
Classification: Benign for Hereditary cancer-predisposing syndrome. Last evaluated: 2025-10-28. Review status: criteria provided, single submitter. Criteria: Ambry Variant Classification Scheme 2023. Collection method: clinical testing. Allele origin: germline.

Fulgent Genetics
Classification: Uncertain significance for Fanconi anemia complementation group O; Breast-ovarian cancer, familial, susceptibility to, 3. Last evaluated: 2022-05-06. Review status: criteria provided, single submitter. Criteria: ACMG Guidelines, 2015. Collection method: clinical testing. Allele origin: unknown.

Department of Pathology and Laboratory Medicine, Sinai Health System
Classification: Uncertain significance for Hereditary breast ovarian cancer syndrome. Last evaluated: 2022-03-21. Review status: criteria provided, single submitter. Criteria: ACMG Guidelines, 2015. Collection method: clinical testing. Allele origin: germline. Affected: yes.